The following is an entry in ClinVar:

NM_003172.4(SURF1):c.163A>G (p.Lys55Glu)

Gene: SURF1 (SURF1 cytochrome c oxidase assembly factor; minus strand). Cytogenetic location: 9q34.2.
Variant type: single nucleotide variant.
Coding change: c.163A>G on transcript NM_003172.4 (MANE Select); coding-DNA position 163, A replaced by G.
Protein change: p.Lys55Glu; replaces lysine 55 with glutamic acid.
Molecular consequence: missense variant. On other transcripts: 5 prime UTR variant (1).
Genome position (GRCh38, 1-based): chr9:133,354,901, T>C on the plus strand (A>G on the coding strand, the complement: SURF1 is on the minus strand). VCF-style: chr9-133354901-T-C. GRCh37 (hg19) VCF-style: chr9-136221756-T-C.
Other names: c.-165A>G (NM_001280787.1); short protein forms K55E.
Identifiers: ClinVar variation 1481217 (VCV001481217.8), dbSNP rs2119085332, ClinGen allele CA375694876.

ClinVar aggregate classification (germline): Uncertain significance (1 of 4 stars; one submission).

Conditions:
Leigh syndrome (NULS). Also called: Leigh's necrotizing encephalopathy; Leigh's disease; Leigh Syndrome (mtDNA deletion); Leigh's syndrome; Subacute necrotizing encephalopathy; Necrotizing encephalopathy infantile subacute of Leigh. Identifiers: Orphanet 506, MedGen C2931891, MONDO:0009723, OMIM 256000.

Submission:

Labcorp Genetics (formerly Invitae), Labcorp
Classification: Uncertain significance for Leigh syndrome. Last evaluated: 2024-09-23. Review status: criteria provided, single submitter. Criteria: Invitae Variant Classification Sherloc (09022015). Collection method: clinical testing. Allele origin: germline.
Comment: This sequence change replaces lysine, which is basic and polar, with glutamic acid, which is acidic and polar, at codon 55 of the SURF1 protein (p.Lys55Glu). This variant is not present in population databases (gnomAD no frequency). This variant has not been reported in the literature in individuals affected with SURF1-related conditions. ClinVar contains an entry for this variant (Variation ID: 1481217). An algorithm developed to predict the effect of missense changes on protein structure and function outputs the following: PolyPhen-2: "Benign". The glutamic acid amino acid residue is found in multiple mammalian species, which suggests that this missense change does not adversely affect protein function. In summary, the available evidence is currently insufficient to determine the role of this variant in disease. Therefore, it has been classified as a Variant of Uncertain Significance.